The following is an entry in ClinVar:

NM_002907.4(RECQL):c.677A>C (p.Gln226Pro)

Gene: RECQL (RecQ like helicase; minus strand). Cytogenetic location: 12p12.1.
Variant type: single nucleotide variant.
Coding change: c.677A>C on transcript NM_002907.4 (MANE Select); coding-DNA position 677, A replaced by C.
Protein change: p.Gln226Pro; replaces glutamine 226 with proline.
Molecular consequence: missense variant.
Genome position (GRCh38, 1-based): chr12:21,483,399, T>G on the plus strand (A>C on the coding strand, the complement: RECQL is on the minus strand). VCF-style: chr12-21483399-T-G. GRCh37 (hg19) VCF-style: chr12-21636333-T-G.
Other names: c.677A>C, p.Gln226Pro (NM_032941.3); short protein forms Q226P.
Identifiers: ClinVar variation 3431765 (VCV003431765.1).

ClinVar aggregate classification (germline): Uncertain significance (1 of 4 stars; one submission).

Submission:

Ambry Genetics
Classification: Uncertain significance. Last evaluated: 2024-12-06. Review status: criteria provided, single submitter. Criteria: Ambry Variant Classification Scheme 2023. Collection method: clinical testing. Allele origin: germline.
Comment: The p.Q226P variant (also known as c.677A>C), located in coding exon 5 of the RECQL gene, results from an A to C substitution at nucleotide position 677. The glutamine at codon 226 is replaced by proline, an amino acid with similar properties. This amino acid position is well conserved in available vertebrate species. In addition, this alteration is predicted to be deleterious by in silico analysis. The evidence for this gene-disease relationship is limited; therefore, the clinical significance of this alteration is unclear.